The following is an entry in ClinVar:

ClinVar aggregate classification (germline): Uncertain significance (1 of 4 stars; one submission).

Conditions:
Inborn genetic diseases. Identifiers: MedGen C0950123, MeSH D030342.

gnomAD v4.1: 1 of 1,613,664 alleles (0.000062%); highest among the groups gnomAD compares: African/African-American, 0.0013%; no homozygotes.

Submission:

Ambry Genetics
Classification: Uncertain significance for Inborn genetic diseases. Last evaluated: 2026-04-15. Review status: criteria provided, single submitter. Criteria: Ambry Variant Classification Scheme 2023. Collection method: clinical testing. Allele origin: germline.
Comment: The p.N327S variant (also known as c.980A>G), located in coding exon 1 of the SAMD9 gene, results from an A to G substitution at nucleotide position 980. The asparagine at codon 327 is replaced by serine, an amino acid with highly similar properties. This amino acid position is conserved. In addition, this alteration is predicted to be tolerated by in silico analysis. Based on the available evidence, the clinical significance of this variant remains unclear.

NM_017654.4(SAMD9):c.980A>G (p.Asn327Ser)

Gene: SAMD9 (sterile alpha motif domain containing 9; minus strand). Cytogenetic location: 7q21.2.
Variant type: single nucleotide variant.
Coding change: c.980A>G on transcript NM_017654.4 (MANE Select); coding-DNA position 980, A replaced by G.
Protein change: p.Asn327Ser; replaces asparagine 327 with serine.
Molecular consequence: missense variant.
Genome position (GRCh38, 1-based): chr7:93,105,118, T>C on the plus strand (A>G on the coding strand, the complement: SAMD9 is on the minus strand). VCF-style: chr7-93105118-T-C. GRCh37 (hg19) VCF-style: chr7-92734431-T-C.
Other names: c.980A>G, p.Asn327Ser (NM_001193307.2); short protein forms N327S.
Identifiers: ClinVar variation 4863813 (VCV004863813.1).